The following is an entry in ClinVar:

ClinVar aggregate classification (germline): Benign/Likely benign. Review status: criteria provided, multiple submitters, no conflicts (2 of 4 stars). 16 submissions from 13 submitters: Benign (10); Likely benign (6). Last evaluated 2026-02-01.

Conditions:
Cardiovascular phenotype. Identifiers: MedGen CN230736.
Dilated cardiomyopathy 1G (CMD1G). Identifiers: Orphanet 154, MedGen C1858763, MONDO:0011400, OMIM 604145.
Autosomal recessive limb-girdle muscular dystrophy type 2J (LGMDR10). Also called: MUSCULAR DYSTROPHY, LIMB-GIRDLE, AUTOSOMAL RECESSIVE 10; Limb-girdle muscular dystrophy, type 2J. Identifiers: Orphanet 140922, MedGen C1837342, MONDO:0012127, OMIM 608807.
Cardiomyopathy (CMYO). Also called: Cardiomyopathies. Identifiers: Orphanet 167848, MedGen C0878544, MONDO:0004994, HP:0001638. Inheritance: Various modes of inheritance.
Early-onset myopathy with fatal cardiomyopathy (CMYO5). Also called: CONGENITAL MYOPATHY 5 WITH CARDIOMYOPATHY; Salih Myopathy. Identifiers: Orphanet 289377, MedGen C2673677, MONDO:0012714, OMIM 611705. Disease mechanism: loss of function.
Myopathy, myofibrillar, 9, with early respiratory failure (MFM9). Also called: Myopathy, distal, with early respiratory failure, autosomal dominant; Hereditary myopathy with early respiratory failure; MYOPATHY, PROXIMAL, WITH EARLY RESPIRATORY MUSCLE INVOLVEMENT; EDSTROM MYOPATHY. Identifiers: Orphanet 178464, Orphanet 34521, MedGen C1863599, MONDO:0011362, OMIM 603689.
Tibial muscular dystrophy (TMD). Also called: Udd Distal Myopathy – Tibial Muscular Dystrophy; Tibial muscular dystrophy, tardive; UDD MYOPATHY. Identifiers: Orphanet 609, MedGen C1838244, MONDO:0010870, OMIM 600334.

Allele frequency attached by ClinVar (database versions not stated): gnomAD exomes 0.00022; ExAC 0.00028; ESP Exome Variant Server 0.00042; gnomAD 0.00078 and 0.00079; 1000 Genomes Project 30x 0.00094; TOPMed 0.00066; 1000 Genomes Project 0.00100.
gnomAD v4.1: 238 of 1,612,158 alleles (0.015%); highest among the groups gnomAD compares: African/African-American, 0.27%; 2 homozygotes.

Submissions (16):

Labcorp Genetics (formerly Invitae), Labcorp
Classification: Benign for Dilated cardiomyopathy 1G; Autosomal recessive limb-girdle muscular dystrophy type 2J. Last evaluated: 2026-02-01. Review status: criteria provided, single submitter. Criteria: Invitae Variant Classification Sherloc (09022015). Collection method: clinical testing. Allele origin: germline.

CeGaT Center for Human Genetics Tuebingen
Classification: Likely benign. Last evaluated: 2025-09-01. Review status: criteria provided, single submitter. Criteria: CeGaT Center For Human Genetics Tuebingen Variant Classification Criteria Version 2. Collection method: clinical testing. Allele origin: germline. Affected: yes. Observed: 1 variant allele.
Comment: TTN: BP4, BP7

Molecular Diagnostic Laboratory for Inherited Cardiovascular Disease, Montreal Heart Institute
Classification: Benign. Last evaluated: 2025-04-09. Review status: criteria provided, single submitter. Criteria: ACMG Guidelines, 2015. Collection method: clinical testing. Allele origin: germline. Affected: no.

Blueprint Genetics
Classification: Likely benign. Last evaluated: 2024-09-11. Review status: criteria provided, single submitter. Criteria: ACMG Guidelines, 2015. Collection method: clinical testing. Allele origin: germline.

ARUP Laboratories, Molecular Genetics and Genomics, ARUP Laboratories
Classification: Likely benign. Last evaluated: 2024-05-15. Review status: criteria provided, single submitter. Criteria: ARUP Molecular Germline Variant Investigation Process 2024. Collection method: clinical testing. Allele origin: germline.

CHEO Genetics Diagnostic Laboratory, Children's Hospital of Eastern Ontario
Classification: Benign for Cardiomyopathy. Last evaluated: 2023-05-16. Review status: criteria provided, single submitter. Criteria: ACMG Guidelines, 2015. Collection method: clinical testing. Allele origin: germline.

Women's Health and Genetics/Laboratory Corporation of America, LabCorp
Classification: Likely benign. Last evaluated: 2022-06-16. Review status: criteria provided, single submitter. Criteria: LabCorp Variant Classification Summary - May 2015. Collection method: clinical testing. Allele origin: germline.

Genome-Nilou Lab
Classification: Benign for Autosomal recessive limb-girdle muscular dystrophy type 2J. Last evaluated: 2021-09-10. Review status: criteria provided, single submitter. Criteria: ACMG Guidelines, 2015. Collection method: clinical testing. Allele origin: germline. Affected: no.

Genome-Nilou Lab
Classification: Benign for Myopathy, myofibrillar, 9, with early respiratory failure. Last evaluated: 2021-09-10. Review status: criteria provided, single submitter. Criteria: ACMG Guidelines, 2015. Collection method: clinical testing. Allele origin: germline. Affected: no.

Genome-Nilou Lab
Classification: Benign for Early-onset myopathy with fatal cardiomyopathy. Last evaluated: 2021-09-10. Review status: criteria provided, single submitter. Criteria: ACMG Guidelines, 2015. Collection method: clinical testing. Allele origin: germline. Affected: no.

Genome-Nilou Lab
Classification: Benign for Tibial muscular dystrophy. Last evaluated: 2021-09-10. Review status: criteria provided, single submitter. Criteria: ACMG Guidelines, 2015. Collection method: clinical testing. Allele origin: germline. Affected: no.

Ambry Genetics
Classification: Likely benign for Cardiovascular phenotype. Last evaluated: 2019-05-15. Review status: criteria provided, single submitter. Criteria: Ambry Variant Classification Scheme 2023. Collection method: clinical testing. Allele origin: germline.

Athena Diagnostics
Classification: Benign. Last evaluated: 2018-03-19. Review status: criteria provided, single submitter. Criteria: Athena Diagnostics Criteria. Collection method: clinical testing. Allele origin: germline.

Eurofins Ntd Llc (ga)
Classification: Likely benign. Last evaluated: 2017-01-06. Review status: criteria provided, single submitter. Criteria: EGL Classification Definitions 2015. Collection method: clinical testing. Allele origin: germline. Observed: 6 variant alleles, 6 heterozygotes.

Laboratory for Molecular Medicine, Mass General Brigham Personalized Medicine
Classification: Benign. Last evaluated: 2015-04-28. Review status: criteria provided, single submitter. Criteria: LMM Criteria. Collection method: clinical testing. Allele origin: germline. Observed: 3 variant alleles.
Comment: p.Gly12490Gly in exon 194 of TTN: This variant is not expected to have clinical significance because it has been identified in 0.3% (30/9712) of African chromos omes by the Exome Aggregation Consortium (ExAC; dbSNP rs372609980).

GeneDx
Classification: Benign. Last evaluated: 2014-09-15. Review status: criteria provided, single submitter. Criteria: GeneDx Variant Classification (06012015). Collection method: clinical testing. Allele origin: germline. Affected: yes.
Comment: This variant is considered likely benign or benign based on one or more of the following criteria: it is a conservative change, it occurs at a poorly conserved position in the protein, it is predicted to be benign by multiple in silico algorithms, and/or has population frequency not consistent with disease.

NM_001267550.2(TTN):c.45174C>T (p.Gly15058=)

Genes: TTN (titin; minus strand), LOC126806427 (BRD4-independent group 4 enhancer GRCh37_chr2:179485777-179486976; plus strand). Cytogenetic location: 2q31.2.
Variant type: single nucleotide variant.
Coding change: c.45174C>T on transcript NM_001267550.2 (MANE Select); coding-DNA position 45174, C replaced by T.
Protein change: p.Gly15058=; no amino-acid change (glycine 15058 retained).
Molecular consequence: synonymous variant.
Genome position (GRCh38, 1-based): chr2:178,621,650, G>A on the plus strand (C>T on the coding strand, the complement: TTN is on the minus strand). VCF-style: chr2-178621650-G-A. GRCh37 (hg19) VCF-style: chr2-179486377-G-A.
Other names: p.G13417G:GGC>GGT; c.40251C>T, p.Gly13417= (NM_001256850.1); c.17979C>T, p.Gly5993= (NM_003319.4); c.37470C>T, p.Gly12490= (NM_133378.4); c.18354C>T, p.Gly6118= (NM_133432.3); c.18555C>T, p.Gly6185= (NM_133437.4).
Identifiers: ClinVar variation 46981 (VCV000046981.43), dbSNP rs372609980, ClinGen allele CA283259.